The following is an entry in ClinVar:

ClinVar aggregate classification (germline): Conflicting classifications of pathogenicity. Review status: criteria provided, conflicting classifications (1 of 4 stars). 2 submissions from 2 submitters: Uncertain significance (1); Likely benign (1). Last evaluated 2025-04-27.

Conditions:
Rubinstein-Taybi syndrome (RSTS). Identifiers: Orphanet 783, MedGen C0035934, MONDO:0019188.

Allele frequency attached by ClinVar (database versions not stated): gnomAD exomes 0.00001; TOPMed 0.00001.
gnomAD v4.1: 11 of 1,612,228 alleles (0.00068%); highest among the groups gnomAD compares: Admixed American, 0.005%; no homozygotes.

Submissions (2):

Labcorp Genetics (formerly Invitae), Labcorp
Classification: Uncertain significance for Rubinstein-Taybi syndrome. Last evaluated: 2025-04-27. Review status: criteria provided, single submitter. Criteria: Invitae Variant Classification Sherloc (09022015). Collection method: clinical testing. Allele origin: germline.
Comment: This sequence change replaces methionine, which is neutral and non-polar, with isoleucine, which is neutral and non-polar, at codon 783 of the CREBBP protein (p.Met783Ile). This variant is present in population databases (rs540177346, gnomAD 0.006%). This variant has not been reported in the literature in individuals affected with CREBBP-related conditions. ClinVar contains an entry for this variant (Variation ID: 2198529). Invitae Evidence Modeling of protein sequence and biophysical properties (such as structural, functional, and spatial information, amino acid conservation, physicochemical variation, residue mobility, and thermodynamic stability) indicates that this missense variant is not expected to disrupt CREBBP protein function with a negative predictive value of 95%. In summary, the available evidence is currently insufficient to determine the role of this variant in disease. Therefore, it has been classified as a Variant of Uncertain Significance.

Blueprint Genetics
Classification: Likely benign. Last evaluated: 2023-05-24. Review status: criteria provided, single submitter. Criteria: ACMG Guidelines, 2015. Collection method: clinical testing. Allele origin: germline.

NM_004380.3(CREBBP):c.2349G>C (p.Met783Ile)

Gene: CREBBP (CREB binding lysine acetyltransferase; minus strand). Cytogenetic location: 16p13.3.
Variant type: single nucleotide variant.
Coding change: c.2349G>C on transcript NM_004380.3 (MANE Select); coding-DNA position 2349, G replaced by C.
Protein change: p.Met783Ile; replaces methionine 783 with isoleucine.
Molecular consequence: missense variant.
Genome position (GRCh38, 1-based): chr16:3,773,865, C>G on the plus strand (G>C on the coding strand, the complement: CREBBP is on the minus strand). VCF-style: chr16-3773865-C-G. GRCh37 (hg19) VCF-style: chr16-3823866-C-G.
Other names: c.2235G>C, p.Met745Ile (NM_001079846.1); short protein forms M745I, M783I.
Identifiers: ClinVar variation 2198529 (VCV002198529.5), dbSNP rs540177346, ClinGen allele CA7870157.